The following is an entry in ClinVar:

NM_020134.4(DPYSL5):c.80A>G (p.Asp27Gly)

Gene: DPYSL5 (dihydropyrimidinase like 5; plus strand). Cytogenetic location: 2p23.3.
Variant type: single nucleotide variant.
Coding change: c.80A>G on transcript NM_020134.4 (MANE Select); coding-DNA position 80, A replaced by G.
Protein change: p.Asp27Gly; replaces aspartic acid 27 with glycine.
Molecular consequence: missense variant.
Genome position (GRCh38, 1-based): chr2:26,898,579, A>G. VCF-style: chr2-26898579-A-G. GRCh37 (hg19) VCF-style: chr2-27121447-A-G.
Other names: c.80A>G, p.Asp27Gly (NM_001253723.2, NM_001253724.2); short protein forms D27G.
Identifiers: ClinVar variation 5006275 (VCV005006275.2).

ClinVar aggregate classification (germline): Uncertain significance (1 of 4 stars; one submission).

Conditions:
Ritscher-Schinzel syndrome 4. Identifiers: MedGen C5561939, MONDO:0030331, OMIM 619435.

Submission:

Juno Genomics, Hangzhou Juno Genomics, Inc
Classification: Uncertain significance for Ritscher-Schinzel syndrome 4. Review status: criteria provided, single submitter. Criteria: ACMG Guidelines, 2015. Collection method: clinical testing. Allele origin: germline.
Comment: Absent from controls (or at extremely low frequency if recessive) in Genome Aggregation Database.;Missense variant in a gene that has a low rate of benign missense variation.;Multiple lines of computational evidence support a deleterious effect on the gene or gene product.